The following is an entry in ClinVar:

ClinVar aggregate classification (germline): Uncertain significance (1 of 4 stars; one submission).

Allele frequency attached by ClinVar (database versions not stated): ExAC 0.00001; gnomAD 0.00001; gnomAD exomes 0.00001; TOPMed 0.00001.
gnomAD v4.1: 15 of 1,609,028 alleles (0.00093%); highest among the groups gnomAD compares: Non-Finnish European, 0.0011%; no homozygotes.

Submission:

Labcorp Genetics (formerly Invitae), Labcorp
Classification: Uncertain significance. Last evaluated: 2022-03-11. Review status: criteria provided, single submitter. Criteria: Invitae Variant Classification Sherloc (09022015). Collection method: clinical testing. Allele origin: germline.
Comment: This sequence change replaces glycine, which is neutral and non-polar, with glutamic acid, which is acidic and polar, at codon 564 of the VPS13D protein (p.Gly564Glu). This variant is present in population databases (rs764967090, gnomAD 0.003%). This variant has not been reported in the literature in individuals affected with VPS13D-related conditions. Algorithms developed to predict the effect of missense changes on protein structure and function are either unavailable or do not agree on the potential impact of this missense change (SIFT: "Tolerated"; PolyPhen-2: "Probably Damaging"; Align-GVGD: "Class C0"). In summary, the available evidence is currently insufficient to determine the role of this variant in disease. Therefore, it has been classified as a Variant of Uncertain Significance.

NM_015378.4(VPS13D):c.1691G>A (p.Gly564Glu)

Gene: VPS13D (vacuolar protein sorting 13 homolog D; plus strand). Cytogenetic location: 1p36.22.
Variant type: single nucleotide variant.
Coding change: c.1691G>A on transcript NM_015378.4 (MANE Select); coding-DNA position 1691, G replaced by A.
Protein change: p.Gly564Glu; replaces glycine 564 with glutamic acid.
Molecular consequence: missense variant.
Genome position (GRCh38, 1-based): chr1:12,266,977, G>A. VCF-style: chr1-12266977-G-A. GRCh37 (hg19) VCF-style: chr1-12327034-G-A.
Other names: c.1691G>A, p.Gly564Glu (NM_018156.4); short protein forms G564E.
Identifiers: ClinVar variation 2175709 (VCV002175709.1), dbSNP rs764967090, ClinGen allele CA601593.